The following is an entry in ClinVar:

NM_020693.4(DSCAML1):c.5212C>T (p.His1738Tyr)

Gene: DSCAML1 (DS cell adhesion molecule like 1; minus strand). Cytogenetic location: 11q23.3.
Variant type: single nucleotide variant.
Coding change: c.5212C>T on transcript NM_020693.4 (MANE Select); coding-DNA position 5212, C replaced by T.
Protein change: p.His1738Tyr; replaces histidine 1738 with tyrosine.
Molecular consequence: missense variant.
Genome position (GRCh38, 1-based): chr11:117,431,696, G>A on the plus strand (C>T on the coding strand, the complement: DSCAML1 is on the minus strand). VCF-style: chr11-117431696-G-A. GRCh37 (hg19) VCF-style: chr11-117302412-G-A.
Other names: short protein forms H1738Y.
Identifiers: ClinVar variation 2035078 (VCV002035078.4), dbSNP rs2542968856, ClinGen allele CA382754811.
Genomic context (GRCh38, chr11:117,431,696, plus strand): 5'-GTGTGGAGGCCTGGCACTTGGTCAGGGTCCACTGGCTTGAGTACCGGTTCCGGGTGCTGT[G>A]GGCTGACTTCACATTCTTCCTGGACACTGGATCTGCACAGACAGAAGCAAGAAATTGCAT-3'
Protein context (NP_065744.3, residues 1728-1748): PVSRKNVKSA[His1738Tyr]STRNRYSSQW

ClinVar aggregate classification (germline): Uncertain significance (1 of 4 stars; one submission).

Allele frequency attached by ClinVar (database versions not stated): gnomAD exomes below 0.00001.
gnomAD v4.1: 1 of 1,600,516 alleles (0.000062%); highest among the groups gnomAD compares: Non-Finnish European, 0.000085%; no homozygotes.

Submission:

Labcorp Genetics (formerly Invitae), Labcorp
Classification: Uncertain significance. Last evaluated: 2022-10-10. Review status: criteria provided, single submitter. Criteria: Invitae Variant Classification Sherloc (09022015). Collection method: clinical testing. Allele origin: germline.
Comment: This variant is not present in population databases (gnomAD no frequency). In summary, the available evidence is currently insufficient to determine the role of this variant in disease. Therefore, it has been classified as a Variant of Uncertain Significance. Algorithms developed to predict the effect of missense changes on protein structure and function are either unavailable or do not agree on the potential impact of this missense change (SIFT: "Deleterious"; PolyPhen-2: "Possibly Damaging"; Align-GVGD: "Class C0"). This variant has not been reported in the literature in individuals affected with DSCAML1-related conditions. This sequence change replaces histidine, which is basic and polar, with tyrosine, which is neutral and polar, at codon 1798 of the DSCAML1 protein (p.His1798Tyr).